The following is an entry in ClinVar:

ClinVar aggregate classification (germline): Benign/Likely benign. Review status: criteria provided, multiple submitters, no conflicts (2 of 4 stars). 3 submissions from 3 submitters: Benign (1); Likely benign (2). Last evaluated 2023-04-11.

Conditions:
Dihydropyrimidine dehydrogenase deficiency (DPYDD). Also called: Hereditary Thymine-Uraciluria; DPD DEFICIENCY; DPYD DEFICIENCY. Identifiers: Orphanet 1675, MedGen C1959620, MONDO:0010130, OMIM 274270.

Allele frequency attached by ClinVar (database versions not stated): gnomAD exomes 0.00213; gnomAD 0.00166; TOPMed 0.00122; ExAC 0.00241; 1000 Genomes Project 0.00599; 1000 Genomes Project 30x 0.00625.
gnomAD v4.1: 1,637 of 1,610,130 alleles (0.1%); highest among the groups gnomAD compares: East Asian, 3.4%; 42 homozygotes.

Submissions (3):

Genome-Nilou Lab
Classification: Likely benign for Dihydropyrimidine dehydrogenase deficiency. Last evaluated: 2023-04-11. Review status: criteria provided, single submitter. Criteria: ACMG Guidelines, 2015. Collection method: clinical testing. Allele origin: germline. Affected: no.

Fulgent Genetics
Classification: Benign for Dihydropyrimidine dehydrogenase deficiency. Last evaluated: 2021-07-27. Review status: criteria provided, single submitter. Criteria: ACMG Guidelines, 2015. Collection method: clinical testing. Allele origin: unknown.

Illumina Laboratory Services, Illumina
Classification: Likely benign for Dihydropyrimidine dehydrogenase deficiency. Last evaluated: 2018-01-13. Review status: criteria provided, single submitter. Criteria: ICSL Variant Classification Criteria 13 December 2019. Collection method: clinical testing. Allele origin: germline.
Comment: This variant was observed in the ICSL laboratory as part of a predisposition screen in an ostensibly healthy population. It had not been previously curated by ICSL or reported in the Human Gene Mutation Database (HGMD: prior to June 1st, 2018), and was therefore a candidate for classification through an automated scoring system. Utilizing variant allele frequency, disease prevalence and penetrance estimates, and inheritance mode, an automated score was calculated to assess if this variant is too frequent to cause the disease. Based on the score and internal cut-off values, a variant classified as likely benign is not then subjected to further curation. The score for this variant resulted in a classification of likely benign for this disease.

NM_000110.4(DPYD):c.1525-11G>A

Gene: DPYD (dihydropyrimidine dehydrogenase; minus strand). Cytogenetic location: 1p21.3.
Variant type: single nucleotide variant.
Coding change: c.1525-11G>A on transcript NM_000110.4 (MANE Select); 11 bases into the intron before coding-DNA position 1525, G replaced by A.
Molecular consequence: intron variant.
Genome position (GRCh38, 1-based): chr1:97,515,952, C>T on the plus strand (G>A on the coding strand, the complement: DPYD is on the minus strand). VCF-style: chr1-97515952-C-T. GRCh37 (hg19) VCF-style: chr1-97981508-C-T.
Identifiers: ClinVar variation 298292 (VCV000298292.7), dbSNP rs55699321, ClinGen allele CA963311.